The following is an entry in ClinVar:

NM_004944.4(DNASE1L3):c.596A>G (p.Lys199Arg)

Gene: DNASE1L3 (deoxyribonuclease 1L3; minus strand). Cytogenetic location: 3p14.3.
Variant type: single nucleotide variant.
Coding change: c.596A>G on transcript NM_004944.4 (MANE Select); coding-DNA position 596, A replaced by G.
Protein change: p.Lys199Arg; replaces lysine 199 with arginine.
Molecular consequence: missense variant.
Genome position (GRCh38, 1-based): chr3:58,197,929, T>C on the plus strand (A>G on the coding strand, the complement: DNASE1L3 is on the minus strand). VCF-style: chr3-58197929-T-C. GRCh37 (hg19) VCF-style: chr3-58183656-T-C.
Other names: c.506A>G, p.Lys169Arg (NM_001256560.2); short protein forms K199R, K169R.
Identifiers: ClinVar variation 2124688 (VCV002124688.4), dbSNP rs1344904745, ClinGen allele CA353338640.

ClinVar aggregate classification (germline): Uncertain significance (1 of 4 stars; one submission).

Allele frequency attached by ClinVar (database versions not stated): gnomAD exomes below 0.00001.
gnomAD v4.1: 4 of 1,613,956 alleles (0.00025%); highest among the groups gnomAD compares: East Asian, 0.0022%; no homozygotes.

Submission:

Labcorp Genetics (formerly Invitae), Labcorp
Classification: Uncertain significance. Last evaluated: 2022-08-23. Review status: criteria provided, single submitter. Criteria: Invitae Variant Classification Sherloc (09022015). Collection method: clinical testing. Allele origin: germline.
Comment: In summary, the available evidence is currently insufficient to determine the role of this variant in disease. Therefore, it has been classified as a Variant of Uncertain Significance. Algorithms developed to predict the effect of missense changes on protein structure and function output the following: SIFT: "Tolerated"; PolyPhen-2: "Benign"; Align-GVGD: "Class C0". The arginine amino acid residue is found in multiple mammalian species, which suggests that this missense change does not adversely affect protein function. This variant has not been reported in the literature in individuals affected with DNASE1L3-related conditions. This variant is present in population databases (no rsID available, gnomAD 0.006%). This sequence change replaces lysine, which is basic and polar, with arginine, which is basic and polar, at codon 199 of the DNASE1L3 protein (p.Lys199Arg).